The following is an entry in ClinVar:

GRCh38/hg38 1q21.1-21.2(chr1:146987841-148328747)x1

Genes: NBPF11 (NBPF member 11; minus strand), NBPF12 (NBPF member 12; plus strand), PRKAB2 (protein kinase AMP-activated non-catalytic subunit beta 2; minus strand), RNVU1-22 (RNA, variant U1 small nuclear 22; plus strand), RNVU1-7 (RNA, variant U1 small nuclear 7; minus strand) and 44 more. Cytogenetic location: 1q21.1-21.2.
Variant type: copy number loss.
Change: copy number 1 (one copy instead of two) of chr1:146,987,841-148,328,747 (1.34 Mb, GRCh38 coordinates, 1-based), cytogenetic band 1q21.1-21.2.
Identifiers: ClinVar variation 58506 (VCV000058506.3).

ClinVar aggregate classification (germline): Pathogenic (1 of 4 stars; one submission).

Submission:

ISCA Site 6
Classification: Pathogenic. Last evaluated: 2011-08-12. Review status: criteria provided, single submitter. Criteria: Kaminsky et al. (Genet Med. 2011). Collection method: clinical testing. Allele origin: unknown, paternal. Affected: yes. Observed: 2 variant alleles.
Comment: Copy number variation identified through the course of routine clinical cytogenomic testing in postnatal populations. Clinical assertions have been curated as described in Kaminsky et al. 2011.